The following is an entry in ClinVar:

ClinVar aggregate classification (germline): Uncertain significance. Review status: criteria provided, single submitter (1 of 4 stars). 2 submissions from 2 submitters: Uncertain significance (1). 1 of the submissions does not count toward it. Last evaluated 2018-08-11.

Conditions:
Familial cancer of breast. Also called: Hereditary breast cancer; hereditary breast carcinoma; BREAST CANCER, FAMILIAL. Identifiers: Orphanet 227535, MedGen C0346153, MONDO:0016419, OMIM 114480. Disease mechanism: loss of function.
Hereditary cancer-predisposing syndrome. Also called: Hereditary neoplastic syndrome; Tumor predisposition; Hereditary Cancer Syndrome; Neoplastic Syndromes, Hereditary. Identifiers: Orphanet 140162, MedGen C0027672, MeSH D009386, MONDO:0015356.

Submissions (2):

Color Diagnostics, LLC DBA Color Health
Classification: Uncertain significance for Hereditary cancer-predisposing syndrome. Last evaluated: 2018-08-11. Review status: criteria provided, single submitter. Criteria: ACMG Guidelines, 2015. Collection method: clinical testing. Allele origin: germline.

Leiden Open Variation Database
Classification: Likely benign for Familial cancer of breast. Last evaluated: 2019-05-13. Review status: no assertion criteria provided. Collection method: curation. Allele origin: germline. Affected: yes. Not counted in ClinVar's aggregate classification.
Comment: Curators: Marc Tischkowitz, Arleen D. Auerbach. Submitter to LOVD: Marc Tischkowitz.

Literature cited by the submitters: PubMed 25186627 (cited by Leiden Open Variation Database).

NM_024675.4(PALB2):c.1468C>T (p.Pro490Ser)

Gene: PALB2 (partner and localizer of BRCA2; minus strand). Cytogenetic location: 16p12.2.
Variant type: single nucleotide variant.
Coding change: c.1468C>T on transcript NM_024675.4 (MANE Select); coding-DNA position 1468, C replaced by T.
Protein change: p.Pro490Ser; replaces proline 490 with serine.
Molecular consequence: missense variant.
Genome position (GRCh38, 1-based): chr16:23,635,078, G>A on the plus strand (C>T on the coding strand, the complement: PALB2 is on the minus strand). VCF-style: chr16-23635078-G-A. GRCh37 (hg19) VCF-style: chr16-23646399-G-A.
Other names: short protein forms P490S.
Identifiers: ClinVar variation 492163 (VCV000492163.5), dbSNP rs878855101, ClinGen allele CA395131167.